The following is an entry in ClinVar:

ClinVar aggregate classification (germline): Uncertain significance (1 of 4 stars; one submission).

Allele frequency attached by ClinVar (database versions not stated): gnomAD exomes below 0.00001 and 0.00001; gnomAD 0.00001; TOPMed 0.00002.
gnomAD v4.1: 4 of 1,607,862 alleles (0.00025%); highest among the groups gnomAD compares: Admixed American, 0.005%; no homozygotes.

Submission:

Labcorp Genetics (formerly Invitae), Labcorp
Classification: Uncertain significance. Last evaluated: 2024-01-15. Review status: criteria provided, single submitter. Criteria: Invitae Variant Classification Sherloc (09022015). Collection method: clinical testing. Allele origin: germline.
Comment: This sequence change replaces phenylalanine, which is neutral and non-polar, with tyrosine, which is neutral and polar, at codon 67 of the SCO2 protein (p.Phe67Tyr). This variant is present in population databases (no rsID available, gnomAD 0.006%). This variant has not been reported in the literature in individuals affected with SCO2-related conditions. ClinVar contains an entry for this variant (Variation ID: 1375525). Advanced modeling of protein sequence and biophysical properties (such as structural, functional, and spatial information, amino acid conservation, physicochemical variation, residue mobility, and thermodynamic stability) performed at Invitae indicates that this missense variant is not expected to disrupt SCO2 protein function with a negative predictive value of 80%. In summary, the available evidence is currently insufficient to determine the role of this variant in disease. Therefore, it has been classified as a Variant of Uncertain Significance.

NM_005138.3(SCO2):c.200T>A (p.Phe67Tyr)

Genes: NCAPH2 (non-SMC condensin II complex subunit H2; plus strand), SCO2 (synthesis of cytochrome C oxidase 2; minus strand). Cytogenetic location: 22q13.33.
Variant type: single nucleotide variant.
Coding change: c.200T>A on transcript NM_005138.3 (MANE Select); coding-DNA position 200, T replaced by A.
Protein change: p.Phe67Tyr; replaces phenylalanine 67 with tyrosine.
Molecular consequence: missense variant. On other transcripts: 3 prime UTR variant (2).
Genome position (GRCh38, 1-based): chr22:50,524,212, A>T on the plus strand (T>A on the coding strand, the complement: SCO2 is on the minus strand). VCF-style: chr22-50524212-A-T. GRCh37 (hg19) VCF-style: chr22-50962641-A-T.
Other names: c.*837A>T (NM_001185011.2, NM_152299.4); c.200T>A, p.Phe67Tyr (NM_001169109.2, NM_001169110.1, NM_001169111.2); short protein forms F67Y.
Identifiers: ClinVar variation 1375525 (VCV001375525.4), dbSNP rs1194150940, ClinGen allele CA412193674.